The following is an entry in ClinVar:

ClinVar aggregate classification (germline): Conflicting classifications of pathogenicity. Review status: criteria provided, conflicting classifications (1 of 4 stars). 2 submissions from 2 submitters: Uncertain significance (1); Likely benign (1). Last evaluated 2025-12-19.

Conditions:
Lymphoproliferative syndrome 1 (LPFS1). Identifiers: Orphanet 238505, Orphanet 538963, MedGen C3552634, MONDO:0013081, OMIM 613011.

Submissions (2):

Labcorp Genetics (formerly Invitae), Labcorp
Classification: Uncertain significance for Lymphoproliferative syndrome 1. Last evaluated: 2025-12-19. Review status: criteria provided, single submitter. Criteria: Invitae Variant Classification Sherloc (09022015). Collection method: clinical testing. Allele origin: germline.
Comment: This sequence change falls in intron 10 of the ITK gene. It does not directly change the encoded amino acid sequence of the ITK protein. It affects a nucleotide within the consensus splice site. This variant is present in population databases (rs561860433, gnomAD 0.1%). This variant has not been reported in the literature in individuals affected with ITK-related conditions. ClinVar contains an entry for this variant (Variation ID: 2071551). Variants that disrupt the consensus splice site are a relatively common cause of aberrant splicing (PMID: 17576681, 9536098). In summary, the available evidence is currently insufficient to determine the role of this variant in disease. Therefore, it has been classified as a Variant of Uncertain Significance.

Blueprint Genetics
Classification: Likely benign. Last evaluated: 2022-09-16. Review status: criteria provided, single submitter. Criteria: ACMG Guidelines, 2015. Collection method: clinical testing. Allele origin: germline.

Literature cited by the submitters: PubMed 17576681 (cited by Labcorp Genetics (formerly Invitae), Labcorp); PubMed 9536098 (cited by Labcorp Genetics (formerly Invitae), Labcorp).

NM_005546.4(ITK):c.986-5_986-2del

Gene: ITK (IL2 inducible T cell kinase; plus strand). Cytogenetic location: 5q33.3.
Variant type: Deletion.
Coding change: c.986-5_986-2del on transcript NM_005546.4 (MANE Select); 5 bases into the intron before coding-DNA position 986 through the canonical splice acceptor site of the intron before coding-DNA position 986, 4 bases deleted (CCCA; older notation c.986-5_986-2delCCCA).
Molecular consequence: splice acceptor variant.
Genome position (GRCh38, 1-based): chr5:157,241,641-157,241,644, CCCA deleted; deleting any 4 consecutive bases within chr5:157,241,640-157,241,644 gives the same sequence; the c. name uses the placement nearest the transcript's 3' end. VCF-style (leftmost placement, unchanged base first): chr5-157241639-AACCC-A. GRCh37 (hg19) VCF-style: chr5-156668649-AACCC-A.
Identifiers: ClinVar variation 2071551 (VCV002071551.5), dbSNP rs561860433, ClinGen allele CA3532970.